The following is an entry in ClinVar:

ClinVar aggregate classification (germline): Uncertain significance (1 of 4 stars; one submission).

Allele frequency attached by ClinVar (database versions not stated): ExAC 0.00001; gnomAD exomes 0.00001; gnomAD 0.00003; TOPMed 0.00003.

Submission:

Labcorp Genetics (formerly Invitae), Labcorp
Classification: Uncertain significance. Last evaluated: 2023-11-19. Review status: criteria provided, single submitter. Criteria: Invitae Variant Classification Sherloc (09022015). Collection method: clinical testing. Allele origin: germline.
Comment: This sequence change replaces methionine, which is neutral and non-polar, with valine, which is neutral and non-polar, at codon 1277 of the TUBGCP6 protein (p.Met1277Val). This variant is present in population databases (rs751506031, gnomAD 0.007%). This variant has not been reported in the literature in individuals affected with TUBGCP6-related conditions. Algorithms developed to predict the effect of missense changes on protein structure and function output the following: SIFT: "Not Available"; PolyPhen-2: "Benign"; Align-GVGD: "Not Available". The valine amino acid residue is found in multiple mammalian species, which suggests that this missense change does not adversely affect protein function. In summary, the available evidence is currently insufficient to determine the role of this variant in disease. Therefore, it has been classified as a Variant of Uncertain Significance.

NM_020461.4(TUBGCP6):c.3829A>G (p.Met1277Val)

Gene: TUBGCP6 (tubulin gamma complex component 6; minus strand). Cytogenetic location: 22q13.33.
Variant type: single nucleotide variant.
Coding change: c.3829A>G on transcript NM_020461.4 (MANE Select); coding-DNA position 3829, A replaced by G.
Protein change: p.Met1277Val; replaces methionine 1277 with valine.
Molecular consequence: missense variant.
Genome position (GRCh38, 1-based): chr22:50,220,530, T>C on the plus strand (A>G on the coding strand, the complement: TUBGCP6 is on the minus strand). VCF-style: chr22-50220530-T-C. GRCh37 (hg19) VCF-style: chr22-50658959-T-C.
Other names: short protein forms M1277V.
Identifiers: ClinVar variation 2974113 (VCV002974113.1), dbSNP rs751506031, ClinGen allele CA10307807.